The following is an entry in ClinVar:

ClinVar aggregate classification (germline): Benign (1 of 4 stars; one submission).

Allele frequency attached by ClinVar (database versions not stated): 1000 Genomes Project 0.00160; ExAC 0.00430; 1000 Genomes Project 30x 0.00468; gnomAD 0.00692; gnomAD exomes 0.00993.
gnomAD v4.1: 14,892 of 1,556,238 alleles (0.96%); highest among the groups gnomAD compares: Non-Finnish European, 1.2%; 114 homozygotes.

Submission:

CeGaT Center for Human Genetics Tuebingen
Classification: Benign. Last evaluated: 2023-02-01. Review status: criteria provided, single submitter. Criteria: CeGaT Center For Human Genetics Tuebingen Variant Classification Criteria Version 2. Collection method: clinical testing. Allele origin: germline. Affected: yes. Observed: 1 variant allele.
Comment: DUOX1: BP4, BP7, BS1, BS2

NM_175940.3(DUOX1):c.579C>G (p.Ser193=)

Gene: DUOX1 (dual oxidase 1; plus strand). Cytogenetic location: 15q21.1.
Variant type: single nucleotide variant.
Coding change: c.579C>G on transcript NM_175940.3 (MANE Select); coding-DNA position 579, C replaced by G.
Protein change: p.Ser193=; no amino-acid change (serine 193 retained).
Molecular consequence: synonymous variant.
Genome position (GRCh38, 1-based): chr15:45,135,557, C>G. VCF-style: chr15-45135557-C-G. GRCh37 (hg19) VCF-style: chr15-45427755-C-G.
Other names: c.579C>G, p.Ser193= (NM_017434.5).
Identifiers: ClinVar variation 2645293 (VCV002645293.24), dbSNP rs397834845, ClinGen allele CA7540215.